The following is an entry in ClinVar:

NM_003477.3(PDHX):c.97C>T (p.Leu33Phe)

Genes: PDHX (pyruvate dehydrogenase complex component X; plus strand), LOC130005549 (ATAC-STARR-seq lymphoblastoid active region 4608; plus strand). Cytogenetic location: 11p13.
Variant type: single nucleotide variant.
Coding change: c.97C>T on transcript NM_003477.3 (MANE Select); coding-DNA position 97, C replaced by T.
Protein change: p.Leu33Phe; replaces leucine 33 with phenylalanine.
Molecular consequence: missense variant. On other transcripts: intron variant (1).
Genome position (GRCh38, 1-based): chr11:34,916,752, C>T. VCF-style: chr11-34916752-C-T. GRCh37 (hg19) VCF-style: chr11-34938299-C-T.
Other names: c.97C>T, p.Leu33Phe (NM_001166158.2); c.-21+266C>T (NM_001135024.2); short protein forms L33F.
Identifiers: ClinVar variation 849007 (VCV000849007.6), dbSNP rs757970464, ClinGen allele CA5945733.

ClinVar aggregate classification (germline): Uncertain significance (1 of 4 stars; one submission).

Allele frequency attached by ClinVar (database versions not stated): ExAC 0.00001; gnomAD exomes 0.00001; TOPMed 0.00001.
gnomAD v4.1: 4 of 1,612,314 alleles (0.00025%); highest among the groups gnomAD compares: Admixed American, 0.0017%; no homozygotes.

Submission:

Labcorp Genetics (formerly Invitae), Labcorp
Classification: Uncertain significance. Last evaluated: 2021-08-27. Review status: criteria provided, single submitter. Criteria: Invitae Variant Classification Sherloc (09022015). Collection method: clinical testing. Allele origin: germline.
Comment: This sequence change replaces leucine with phenylalanine at codon 33 of the PDHX protein (p.Leu33Phe). The leucine residue is weakly conserved and there is a small physicochemical difference between leucine and phenylalanine. This variant is present in population databases (rs757970464, ExAC 0.002%). This variant has not been reported in the literature in individuals affected with PDHX-related conditions. Algorithms developed to predict the effect of missense changes on protein structure and function (SIFT, PolyPhen-2, Align-GVGD) all suggest that this variant is likely to be tolerated. In summary, the available evidence is currently insufficient to determine the role of this variant in disease. Therefore, it has been classified as a Variant of Uncertain Significance.